The following is an entry in ClinVar:

ClinVar aggregate classification (germline): Uncertain significance (1 of 4 stars; one submission).

Allele frequency attached by ClinVar (database versions not stated): gnomAD exomes below 0.00001.
gnomAD v4.1: 1 of 1,547,716 alleles (0.000065%); highest among the groups gnomAD compares: South Asian, 0.0012%; no homozygotes.

Submission:

Labcorp Genetics (formerly Invitae), Labcorp
Classification: Uncertain significance. Last evaluated: 2022-03-13. Review status: criteria provided, single submitter. Criteria: Invitae Variant Classification Sherloc (09022015). Collection method: clinical testing. Allele origin: germline.
Comment: This sequence change replaces serine, which is neutral and polar, with proline, which is neutral and non-polar, at codon 2283 of the EYS protein (p.Ser2283Pro). This variant is not present in population databases (gnomAD no frequency). This variant has not been reported in the literature in individuals affected with EYS-related conditions. In summary, the available evidence is currently insufficient to determine the role of this variant in disease. Therefore, it has been classified as a Variant of Uncertain Significance. Algorithms developed to predict the effect of missense changes on protein structure and function (SIFT, PolyPhen-2, Align-GVGD) all suggest that this variant is likely to be tolerated.

NM_001142800.2(EYS):c.6847T>C (p.Ser2283Pro)

Gene: EYS (EGF-like photoreceptor maintenance factor; minus strand). Cytogenetic location: 6q12.
Variant type: single nucleotide variant.
Coding change: c.6847T>C on transcript NM_001142800.2 (MANE Select); coding-DNA position 6847, T replaced by C.
Protein change: p.Ser2283Pro; replaces serine 2283 with proline.
Molecular consequence: missense variant.
Genome position (GRCh38, 1-based): chr6:63,984,591, A>G on the plus strand (T>C on the coding strand, the complement: EYS is on the minus strand). VCF-style: chr6-63984591-A-G. GRCh37 (hg19) VCF-style: chr6-64694484-A-G.
Other names: c.6847T>C, p.Ser2283Pro (NM_001292009.2); short protein forms S2283P.
Identifiers: ClinVar variation 2075519 (VCV002075519.4), dbSNP rs2533329961, ClinGen allele CA364389057.